The following is an entry in ClinVar:

NM_020738.4(KIDINS220):c.3012-6118C>T

Gene: KIDINS220 (kinase D interacting substrate 220; minus strand). Cytogenetic location: 2p25.1.
Variant type: single nucleotide variant.
Coding change: c.3012-6118C>T on transcript NM_020738.4 (MANE Select); 6118 bases into the intron before coding-DNA position 3012, C replaced by T.
Molecular consequence: intron variant. On other transcripts: nonsense (1).
Genome position (GRCh38, 1-based): chr2:8,757,762, G>A on the plus strand (C>T on the coding strand, the complement: KIDINS220 is on the minus strand). VCF-style: chr2-8757762-G-A. GRCh37 (hg19) VCF-style: chr2-8897892-G-A.
Other names: c.3040C>T, p.Arg1014Ter (NM_001348745.2); c.3012-6118C>T (NM_001348741.2, NM_001348738.2, NM_001348742.2 and 3 more transcripts); c.3015-6118C>T (NM_001348739.2, NM_001348740.2, NM_001348734.2 and 2 more transcripts); c.2886-6118C>T (NM_001348736.2); short protein forms R1014*.
Identifiers: ClinVar variation 2636388 (VCV002636388.2), dbSNP rs763196062, ClinGen allele CA1519817.

ClinVar aggregate classification (germline): Uncertain significance (1 of 4 stars; one submission).

Conditions:
KIDINS220-related disorder. Also called: KIDINS220-related condition.

Allele frequency attached by ClinVar (database versions not stated): gnomAD 0.00001; gnomAD exomes 0.00001; TOPMed 0.00002; ExAC 0.00003.
gnomAD v4.1: 19 of 1,611,288 alleles (0.0012%); highest among the groups gnomAD compares: Middle Eastern, 0.016%; no homozygotes.

Submission:

PreventionGenetics, part of Exact Sciences
Classification: Uncertain significance for KIDINS220-related condition. Last evaluated: 2026-08-06. Review status: criteria provided, single submitter. Criteria: ACMG Guidelines, 2015. Collection method: clinical testing. Allele origin: germline.
Comment: The KIDINS220 c.3040C>T variant is predicted to result in premature protein termination (p.Arg1014*). However, this variant resides in an exon that is only predicted to be coding in a transcript with evidence of very low expression. In the canonical transcript, this variant is deep intronic (NM_020738.2:c.3012-6118C>T). To our knowledge, this variant has not been reported in the literature. This variant is reported in 0.010% of alleles in individuals of East Asian descent in gnomAD. At this time, the clinical significance of this variant is uncertain due to the absence of conclusive functional and genetic evidence.